The following is an entry in ClinVar:

ClinVar aggregate classification (germline): Likely pathogenic (1 of 4 stars; one submission).

Allele frequency attached by ClinVar (database versions not stated): gnomAD exomes 0.00001.
gnomAD v4.1: 4 of 1,614,184 alleles (0.00025%); highest among the groups gnomAD compares: South Asian, 0.0011%; no homozygotes.

Submission:

Labcorp Genetics (formerly Invitae), Labcorp
Classification: Likely pathogenic. Last evaluated: 2024-02-08. Review status: criteria provided, single submitter. Criteria: Invitae Variant Classification Sherloc (09022015). Collection method: clinical testing. Allele origin: germline.
Comment: This sequence change replaces arginine, which is basic and polar, with glutamine, which is neutral and polar, at codon 460 of the CYP11A1 protein (p.Arg460Gln). This variant is not present in population databases (gnomAD no frequency). This variant has not been reported in the literature in individuals affected with CYP11A1-related conditions. Advanced modeling of protein sequence and biophysical properties (such as structural, functional, and spatial information, amino acid conservation, physicochemical variation, residue mobility, and thermodynamic stability) performed at Invitae indicates that this missense variant is expected to disrupt CYP11A1 protein function with a positive predictive value of 95%. This variant disrupts the p.Arg460 amino acid residue in CYP11A1. Other variant(s) that disrupt this residue have been determined to be pathogenic (PMID: 30620006). This suggests that this residue is clinically significant, and that variants that disrupt this residue are likely to be disease-causing. In summary, the currently available evidence indicates that the variant is pathogenic, but additional data are needed to prove that conclusively. Therefore, this variant has been classified as Likely Pathogenic.

Literature cited by the submitters: PubMed 30620006.

NM_000781.3(CYP11A1):c.1379G>A (p.Arg460Gln)

Gene: CYP11A1 (cytochrome P450 family 11 subfamily A member 1; minus strand). Cytogenetic location: 15q24.1.
Variant type: single nucleotide variant.
Coding change: c.1379G>A on transcript NM_000781.3 (MANE Select); coding-DNA position 1379, G replaced by A.
Protein change: p.Arg460Gln; replaces arginine 460 with glutamine.
Molecular consequence: missense variant.
Genome position (GRCh38, 1-based): chr15:74,338,626, C>T on the plus strand (G>A on the coding strand, the complement: CYP11A1 is on the minus strand). VCF-style: chr15-74338626-C-T. GRCh37 (hg19) VCF-style: chr15-74630967-C-T.
Other names: c.905G>A, p.Arg302Gln (NM_001099773.2); short protein forms R302Q, R460Q.
Identifiers: ClinVar variation 2782564 (VCV002782564.3), dbSNP rs1567050773, ClinGen allele CA393145770.